The following is an entry in ClinVar:

ClinVar aggregate classification (germline): Pathogenic (1 of 4 stars; one submission).

Conditions:
Tyrosinemia type II (TYRSN2). Also called: KERATOSIS PALMOPLANTARIS WITH CORNEAL DYSTROPHY; OREGON TYPE TYROSINEMIA; TAT DEFICIENCY; TYROSINE AMINOTRANSFERASE DEFICIENCY; TYROSINE TRANSAMINASE DEFICIENCY. Identifiers: Orphanet 28378, MedGen C0268487, MONDO:0010160, OMIM 276600.

Submission:

Myriad Genetics, Inc.
Classification: Pathogenic for Tyrosinemia type II. Last evaluated: 2026-01-26. Review status: criteria provided, single submitter. Criteria: Myriad Autosomal Dominant, Autosomal Recessive and X-Linked Classification Criteria (2023). Collection method: clinical testing. Allele origin: unknown.
Comment: NM_000353.2(TAT):c.351delC(S118Vfs*16) is expected to be pathogenic in the context of tyrosinemia type II. This variant is predicted to lead to an abnormal or absent protein product due to the creation of a premature termination codon in TAT, a gene where loss-of-function variants are known to be pathogenic. Please note: this variant was assessed in the context of healthy population screening.

NM_000353.3(TAT):c.351del (p.Ser118fs)

Gene: TAT (tyrosine aminotransferase; minus strand). Cytogenetic location: 16q22.2.
Variant type: Deletion.
Coding change: c.351del on transcript NM_000353.3 (MANE Select); coding-DNA position 351, one base deleted (C; older notation c.351delC).
Protein change: p.Ser118fs; shifts the reading frame from serine 118.
Molecular consequence: frameshift variant.
Genome position (GRCh38, 1-based): chr16:71,573,596, G deleted on the plus strand (C on the coding strand, the reverse complement: TAT is on the minus strand); the first of 2 consecutive G bases (chr16:71,573,596-71,573,597); deleting either gives the same sequence. VCF-style (leftmost placement, unchanged base first): chr16-71573595-TG-T. GRCh37 (hg19) VCF-style: chr16-71607498-TG-T.
Other names: short protein forms S118fs.
Identifiers: ClinVar variation 5015490 (VCV005015490.1).